The following is an entry in ClinVar:

ClinVar aggregate classification (germline): Uncertain significance. Review status: criteria provided, multiple submitters, no conflicts (2 of 4 stars). 2 submissions from 2 submitters: Uncertain significance (2). Last evaluated 2026-03-03.

Conditions:
Hereditary cancer-predisposing syndrome. Also called: Neoplastic Syndromes, Hereditary; Tumor predisposition; Hereditary Cancer Syndrome; Hereditary neoplastic syndrome. Identifiers: Orphanet 140162, MedGen C0027672, MeSH D009386, MONDO:0015356.

Allele frequency attached by ClinVar (database versions not stated): TOPMed below 0.00001.

Submissions (2):

Ambry Genetics
Classification: Uncertain significance for Hereditary cancer-predisposing syndrome. Last evaluated: 2026-03-03. Review status: criteria provided, single submitter. Criteria: Ambry Variant Classification Scheme 2023. Collection method: clinical testing. Allele origin: germline.
Comment: The p.L120R variant (also known as c.359T>G), located in coding exon 5 of the POLE gene, results from a T to G substitution at nucleotide position 359. The leucine at codon 120 is replaced by arginine, an amino acid with dissimilar properties. This amino acid position is well conserved in available vertebrate species. In addition, the in silico prediction for this alteration is inconclusive. Based on the available evidence, the clinical significance of this variant remains unclear.

Labcorp Genetics (formerly Invitae), Labcorp
Classification: Uncertain significance. Last evaluated: 2024-04-09. Review status: criteria provided, single submitter. Criteria: Invitae Variant Classification Sherloc (09022015). Collection method: clinical testing. Allele origin: germline.
Comment: This sequence change replaces leucine, which is neutral and non-polar, with arginine, which is basic and polar, at codon 120 of the POLE protein (p.Leu120Arg). This variant is not present in population databases (gnomAD no frequency). This variant has not been reported in the literature in individuals affected with POLE-related conditions. ClinVar contains an entry for this variant (Variation ID: 1518465). Advanced modeling of protein sequence and biophysical properties (such as structural, functional, and spatial information, amino acid conservation, physicochemical variation, residue mobility, and thermodynamic stability) performed at Invitae indicates that this missense variant is expected to disrupt POLE protein function with a positive predictive value of 80%. In summary, the available evidence is currently insufficient to determine the role of this variant in disease. Therefore, it has been classified as a Variant of Uncertain Significance.

NM_006231.4(POLE):c.359T>G (p.Leu120Arg)

Gene: POLE (DNA polymerase epsilon, catalytic subunit; minus strand). Cytogenetic location: 12q24.33.
Variant type: single nucleotide variant.
Coding change: c.359T>G on transcript NM_006231.4 (MANE Select); coding-DNA position 359, T replaced by G.
Protein change: p.Leu120Arg; replaces leucine 120 with arginine.
Molecular consequence: missense variant.
Genome position (GRCh38, 1-based): chr12:132,680,018, A>C on the plus strand (T>G on the coding strand, the complement: POLE is on the minus strand). VCF-style: chr12-132680018-A-C. GRCh37 (hg19) VCF-style: chr12-133256604-A-C.
Other names: c.359T>G (NM_006231.2); short protein forms L120R.
Identifiers: ClinVar variation 1518465 (VCV001518465.7), dbSNP rs1936944496, ClinGen allele CA387368211.
Genomic context (GRCh38, chr12:132,680,018, plus strand): 5'-TCCAGATCCTCTTTGGGGACAGTCTCCACTTTTGCAATTTTGCCCTGAAACTTCTTGGAG[A>C]GAAAAGATGAAACTTCTCGCTCACAACCCTAATCAGGATCAGAATGAAAAGGCTTTCCAT-3'
Protein context (NP_006222.2, residues 110-130): KGCEREVSSF[Leu120Arg]SKKFQGKIAK